The following is an entry in ClinVar:

ClinVar aggregate classification (germline): Uncertain significance (1 of 4 stars; one submission).

Allele frequency attached by ClinVar (database versions not stated): ExAC 0.00001.

Submission:

Labcorp Genetics (formerly Invitae), Labcorp
Classification: Uncertain significance. Last evaluated: 2021-04-09. Review status: criteria provided, single submitter. Criteria: Invitae Variant Classification Sherloc (09022015). Collection method: clinical testing. Allele origin: germline.
Comment: This sequence change affects an acceptor splice site in intron 11 of the CLCN5 gene. While this variant is not anticipated to result in nonsense mediated decay, it likely alters RNA splicing and results in a disrupted protein product. Nucleotide substitutions within the consensus splice site are a relatively common cause of aberrant splicing (PMID: 17576681, 9536098). Algorithms developed to predict the effect of sequence changes on RNA splicing suggest that this variant may disrupt the consensus splice site, but this prediction has not been confirmed by published transcriptional studies. In summary, the available evidence is currently insufficient to determine the role of this variant in disease. Therefore, it has been classified as a Variant of Uncertain Significance. This variant has not been reported in the literature in individuals with CLCN5-related conditions. This variant is present in population databases (rs782484194, ExAC 0.002%).

Literature cited by the submitters: PubMed 17576681; PubMed 9536098.

NM_001127898.4(CLCN5):c.2361-2A>T

Gene: CLCN5 (chloride voltage-gated channel 5; plus strand). Cytogenetic location: Xp11.23.
Variant type: single nucleotide variant.
Coding change: c.2361-2A>T on transcript NM_001127898.4 (MANE Select); the canonical splice acceptor site of the intron before coding-DNA position 2361, A replaced by T.
Molecular consequence: splice acceptor variant.
Genome position (GRCh38, 1-based): chrX:50,092,127, A>T. VCF-style: chrX-50092127-A-T. GRCh37 (hg19) VCF-style: chrX-49856784-A-T.
Other names: c.2361-2A>T (NM_001127899.4); c.2151-2A>T (NM_000084.5); c.2211-2A>T (NM_001282163.2).
Identifiers: ClinVar variation 1524616 (VCV001524616.8), dbSNP rs782484194, ClinGen allele CA10414005.